The following is an entry in ClinVar:

NM_000059.4(BRCA2):c.7995T>C (p.Asp2665=)

Gene: BRCA2 (BRCA2 DNA repair associated; plus strand). Cytogenetic location: 13q13.1.
Variant type: single nucleotide variant.
Coding change: c.7995T>C on transcript NM_000059.4 (MANE Select); coding-DNA position 7995, T replaced by C.
Protein change: p.Asp2665=; no amino-acid change (aspartic acid 2665 retained).
Molecular consequence: synonymous variant.
Genome position (GRCh38, 1-based): chr13:32,363,197, T>C. VCF-style: chr13-32363197-T-C. GRCh37 (hg19) VCF-style: chr13-32937334-T-C.
Identifiers: ClinVar variation 215619 (VCV000215619.35), dbSNP rs200757418, ClinGen allele CA335823.

ClinVar aggregate classification (germline): Likely benign. Review status: reviewed by expert panel (3 of 4 stars). 7 submissions from 7 submitters: Likely benign (1). 6 of the submissions do not count toward it. Last evaluated 2017-06-29.

Conditions:
Hereditary breast ovarian cancer syndrome. Also called: Hereditary breast and ovarian cancer; Hereditary breast and ovarian cancer syndrome (HBOC); Breast and ovarian cancer; BRCA1- and BRCA2-Associated Hereditary Breast and Ovarian Cancer; Hereditary breast and ovarian cancer syndrome; Hereditary breast and/or ovarian cancer syndrome. Identifiers: Orphanet 145, MedGen C0677776, MeSH D061325, MONDO:0003582. Disease mechanism: loss of function.
Hereditary cancer-predisposing syndrome. Also called: Tumor predisposition; Neoplastic Syndromes, Hereditary; Hereditary Cancer Syndrome; Hereditary neoplastic syndrome. Identifiers: Orphanet 140162, MedGen C0027672, MeSH D009386, MONDO:0015356.
Breast-ovarian cancer, familial, susceptibility to, 2 (BROVCA2). Also called: BRCA2 Hereditary Breast and Ovarian Cancer. Identifiers: Orphanet 145, MedGen C2675520, MONDO:0012933, OMIM 612555. Disease mechanism: loss of function.

Allele frequency attached by ClinVar (database versions not stated): gnomAD 0.00001; gnomAD exomes 0.00001; ExAC 0.00003.
gnomAD v4.1: 12 of 1,613,614 alleles (0.00074%); highest among the groups gnomAD compares: South Asian, 0.0011%; no homozygotes.

Submissions (7):

Evidence-based Network for the Interpretation of Germline Mutant Alleles (ENIGMA)
Classification: Likely benign for Breast-ovarian cancer, familial, susceptibility to, 2. Last evaluated: 2017-06-29. Review status: reviewed by expert panel. Criteria: ENIGMA BRCA1/2 Classification Criteria (2017-06-29). Collection method: curation. Allele origin: germline.
Comment: Synonymous substitution variant, with low bioinformatic likelihood to result in a splicing aberration (Splicing prior probability 0.02).

Labcorp Genetics (formerly Invitae), Labcorp
Classification: Likely benign for Hereditary breast ovarian cancer syndrome. Last evaluated: 2025-03-20. Review status: criteria provided, single submitter. Criteria: Invitae Variant Classification Sherloc (09022015). Collection method: clinical testing. Allele origin: germline. Not counted in ClinVar's aggregate classification.

Blueprint Genetics
Classification: Likely benign. Last evaluated: 2024-07-03. Review status: criteria provided, single submitter. Criteria: ACMG Guidelines, 2015. Collection method: clinical testing. Allele origin: germline. Not counted in ClinVar's aggregate classification.

CeGaT Center for Human Genetics Tuebingen
Classification: Likely benign. Last evaluated: 2024-05-01. Review status: criteria provided, single submitter. Criteria: CeGaT Center For Human Genetics Tuebingen Variant Classification Criteria Version 2. Collection method: clinical testing. Allele origin: germline. Affected: yes. Observed: 1 variant allele. Not counted in ClinVar's aggregate classification.
Comment: BRCA2: BP4, BP7

Ambry Genetics
Classification: Likely benign for Hereditary cancer-predisposing syndrome. Last evaluated: 2021-04-03. Review status: criteria provided, single submitter. Criteria: Ambry Variant Classification Scheme 2023. Collection method: clinical testing. Allele origin: germline. Not counted in ClinVar's aggregate classification.

Color Diagnostics, LLC DBA Color Health
Classification: Likely benign for Hereditary cancer-predisposing syndrome. Last evaluated: 2017-11-23. Review status: criteria provided, single submitter. Criteria: ACMG Guidelines, 2015. Collection method: clinical testing. Allele origin: germline. Not counted in ClinVar's aggregate classification.

Knight Diagnostic Laboratories, Oregon Health and Sciences University
Classification: Uncertain significance for Breast-ovarian cancer, familial, susceptibility to, 2. Review status: no assertion criteria provided. Criteria: ACMG Guidelines, 2015. Collection method: clinical testing. Allele origin: germline. Affected: no. Study: CSER-NextGen. Not counted in ClinVar's aggregate classification.